The following is an entry in ClinVar:

ClinVar aggregate classification (germline): Uncertain significance (1 of 4 stars; one submission).

Submission:

GeneDx
Classification: Uncertain significance. Last evaluated: 2025-08-12. Review status: criteria provided, single submitter. Criteria: GeneDx Variant Classification Process June 2021. Collection method: clinical testing. Allele origin: germline. Affected: yes.
Comment: Not observed at significant frequency in large population cohorts (gnomAD); In silico analysis supports that this missense variant has a deleterious effect on protein structure/function; Has not been previously published as pathogenic or benign to our knowledge

NM_001348323.3(TRIP12):c.5270G>A (p.Gly1757Asp)

Gene: TRIP12 (thyroid hormone receptor interactor 12; minus strand). Cytogenetic location: 2q36.3.
Variant type: single nucleotide variant.
Coding change: c.5270G>A on transcript NM_001348323.3 (MANE Select); coding-DNA position 5270, G replaced by A.
Protein change: p.Gly1757Asp; replaces glycine 1757 with aspartic acid.
Molecular consequence: missense variant.
Genome position (GRCh38, 1-based): chr2:229,778,527, C>T on the plus strand (G>A on the coding strand, the complement: TRIP12 is on the minus strand). VCF-style: chr2-229778527-C-T. GRCh37 (hg19) VCF-style: chr2-230643243-C-T.
Other names: c.5273G>A, p.Gly1758Asp (NM_001348328.1, NM_001348329.2, NM_001348330.2); c.5048G>A, p.Gly1683Asp (NM_001348331.1); c.5168G>A, p.Gly1723Asp (NM_001348332.1); c.5192G>A, p.Gly1731Asp (NM_001348333.1); c.5045G>A, p.Gly1682Asp (NM_004238.3); c.5189G>A, p.Gly1730Asp (NM_001284214.2, NM_001348315.2); c.5144G>A, p.Gly1715Asp (NM_001284215.2, NM_001348316.2); c.4235G>A, p.Gly1412Asp (NM_001284216.2); and 4 more; short protein forms G1682D, G1731D, G1412D, G1730D, G1758D, G1683D, G1710D, G1715D.
Identifiers: ClinVar variation 4795429 (VCV004795429.1).